The following is an entry in ClinVar:

ClinVar aggregate classification (germline): Uncertain significance (1 of 4 stars; one submission).

Submission:

GeneDx
Classification: Uncertain significance. Last evaluated: 2022-05-25. Review status: criteria provided, single submitter. Criteria: GeneDx Variant Classification Process June 2021. Collection method: clinical testing. Allele origin: germline. Affected: yes.
Comment: Not observed at significant frequency in large population cohorts (gnomAD); In silico analysis supports that this missense variant has a deleterious effect on protein structure/function; Has not been previously published as pathogenic or benign to our knowledge; Variants in candidate genes are classified as variants of uncertain significance in accordance with ACMG guidelines (Richards et al., 2015)

NM_001256012.3(MYH10):c.1363G>T (p.Asp455Tyr)

Gene: MYH10 (myosin heavy chain 10; minus strand). Cytogenetic location: 17p13.1.
Variant type: single nucleotide variant.
Coding change: c.1363G>T on transcript NM_001256012.3 (MANE Select); coding-DNA position 1363, G replaced by T.
Protein change: p.Asp455Tyr; replaces aspartic acid 455 with tyrosine.
Molecular consequence: missense variant.
Genome position (GRCh38, 1-based): chr17:8,545,516, C>A on the plus strand (G>T on the coding strand, the complement: MYH10 is on the minus strand). VCF-style: chr17-8545516-C-A. GRCh37 (hg19) VCF-style: chr17-8448834-C-A.
Other names: c.1360G>T, p.Asp454Tyr (NM_001256095.2); c.1363G>T, p.Asp455Tyr (NM_001375266.1); c.1333G>T, p.Asp445Tyr (NM_005964.5); short protein forms D445Y, D454Y, D455Y.
Identifiers: ClinVar variation 1801922 (VCV001801922.1), dbSNP rs2544468366, ClinGen allele CA398044765.